The following is an entry in ClinVar:

NM_001329943.3(KIAA0586):c.1738A>G (p.Lys580Glu)

Gene: KIAA0586 (KIAA0586; plus strand). Cytogenetic location: 14q23.1.
Variant type: single nucleotide variant.
Coding change: c.1738A>G on transcript NM_001329943.3 (MANE Select); coding-DNA position 1738, A replaced by G.
Protein change: p.Lys580Glu; replaces lysine 580 with glutamic acid.
Molecular consequence: missense variant. On other transcripts: intron variant (1).
Genome position (GRCh38, 1-based): chr14:58,459,924, A>G. VCF-style: chr14-58459924-A-G. GRCh37 (hg19) VCF-style: chr14-58926642-A-G.
Other names: c.1483A>G, p.Lys495Glu (NM_001364700.1, NM_001364701.2, NM_001244191.2 and 1 more transcripts); c.1318A>G, p.Lys440Glu (NM_001244193.2); c.1657-1062A>G (NM_014749.5); c.1897A>G, p.Lys633Glu (NM_001244189.2); c.1693A>G, p.Lys565Glu (NM_001244190.2); c.1606A>G, p.Lys536Glu (NM_001244192.2); c.1738A>G, p.Lys580Glu (NM_001329944.2, NM_001329946.2, NM_001329947.2); short protein forms K633E, K495E, K536E, K440E, K565E, K580E.
Identifiers: ClinVar variation 1394766 (VCV001394766.5), dbSNP rs1297075839, ClinGen allele CA389870780.

ClinVar aggregate classification (germline): Uncertain significance (1 of 4 stars; one submission).

Conditions:
Short-rib thoracic dysplasia 14 with polydactyly (SRTD14). Identifiers: Orphanet 397715, MedGen C4225286, MONDO:0014688, OMIM 616546.
Joubert syndrome 23 (JBTS23). Identifiers: Orphanet 475, MedGen C4084822, MONDO:0014664, OMIM 616490.

Allele frequency attached by ClinVar (database versions not stated): gnomAD exomes below 0.00001 and 0.00001.

Submission:

Labcorp Genetics (formerly Invitae), Labcorp
Classification: Uncertain significance for Joubert syndrome 23; Short-rib thoracic dysplasia 14 with polydactyly. Last evaluated: 2023-03-10. Review status: criteria provided, single submitter. Criteria: Invitae Variant Classification Sherloc (09022015). Collection method: clinical testing. Allele origin: germline.
Comment: Algorithms developed to predict the effect of sequence changes on RNA splicing suggest that this variant may disrupt the consensus splice site. In summary, the available evidence is currently insufficient to determine the role of this variant in disease. Therefore, it has been classified as a Variant of Uncertain Significance. Advanced modeling of protein sequence and biophysical properties (such as structural, functional, and spatial information, amino acid conservation, physicochemical variation, residue mobility, and thermodynamic stability) has been performed at Invitae for this missense variant, however the output from this modeling did not meet the statistical confidence thresholds required to predict the impact of this variant on KIAA0586 protein function. This sequence change replaces lysine, which is basic and polar, with glutamic acid, which is acidic and polar, at codon 633 of the KIAA0586 protein (p.Lys633Glu). This variant is present in population databases (no rsID available, gnomAD 0.004%). This variant has not been reported in the literature in individuals affected with KIAA0586-related conditions. ClinVar contains an entry for this variant (Variation ID: 1394766).